The following is an entry in ClinVar:

NM_001852.4(COL9A2):c.86C>A (p.Pro29Gln)

Genes: COL9A2 (collagen type IX alpha 2 chain; minus strand), LOC129930261 (ATAC-STARR-seq lymphoblastoid silent region 724; plus strand). Cytogenetic location: 1p34.2.
Variant type: single nucleotide variant.
Coding change: c.86C>A on transcript NM_001852.4 (MANE Select); coding-DNA position 86, C replaced by A.
Protein change: p.Pro29Gln; replaces proline 29 with glutamine.
Molecular consequence: missense variant.
Genome position (GRCh38, 1-based): chr1:40,315,654, G>T on the plus strand (C>A on the coding strand, the complement: COL9A2 is on the minus strand). VCF-style: chr1-40315654-G-T. GRCh37 (hg19) VCF-style: chr1-40781326-G-T.
Other names: short protein forms P29Q.
Identifiers: ClinVar variation 4799888 (VCV004799888.1).

ClinVar aggregate classification (germline): Uncertain significance (1 of 4 stars; one submission).

Submission:

Labcorp Genetics (formerly Invitae), Labcorp
Classification: Uncertain significance. Last evaluated: 2025-08-12. Review status: criteria provided, single submitter. Criteria: Invitae Variant Classification Sherloc (09022015). Collection method: clinical testing. Allele origin: germline.
Comment: This sequence change replaces proline, which is neutral and non-polar, with glutamine, which is neutral and polar, at codon 29 of the COL9A2 protein (p.Pro29Gln). This variant is not present in population databases (gnomAD no frequency). This variant has not been reported in the literature in individuals affected with COL9A2-related conditions. Invitae Evidence Modeling of protein sequence and biophysical properties (such as structural, functional, and spatial information, amino acid conservation, physicochemical variation, residue mobility, and thermodynamic stability) indicates that this missense variant is not expected to disrupt COL9A2 protein function with a negative predictive value of 95%. In summary, the available evidence is currently insufficient to determine the role of this variant in disease. Therefore, it has been classified as a Variant of Uncertain Significance.